The following is an entry in ClinVar:

NM_002317.7(LOX):c.545C>G (p.Pro182Arg)

Genes: LOX (lysyl oxidase; minus strand), SRFBP1 (serum response factor binding protein 1; plus strand). Cytogenetic location: 5q23.1.
Variant type: single nucleotide variant.
Coding change: c.545C>G on transcript NM_002317.7 (MANE Select); coding-DNA position 545, C replaced by G.
Protein change: p.Pro182Arg; replaces proline 182 with arginine.
Molecular consequence: missense variant.
Genome position (GRCh38, 1-based): chr5:122,077,441, G>C on the plus strand (C>G on the coding strand, the complement: LOX is on the minus strand). VCF-style: chr5-122077441-G-C. GRCh37 (hg19) VCF-style: chr5-121413136-G-C.
Other names: c.545C>G (NM_002317.5); short protein forms P182R.
Identifiers: ClinVar variation 973085 (VCV000973085.7), dbSNP rs1261420416, ClinGen allele CA360875717.

ClinVar aggregate classification (germline): Uncertain significance. Review status: criteria provided, multiple submitters, no conflicts (2 of 4 stars). 3 submissions from 3 submitters: Uncertain significance (3). Last evaluated 2026-06-14.

Conditions:
Aortic aneurysm, familial thoracic 10 (AAT10). Identifiers: MedGen C4284414, MONDO:0014950, OMIM 617168.
Cardiovascular phenotype. Identifiers: MedGen CN230736.

Allele frequency attached by ClinVar (database versions not stated): TOPMed below 0.00001.
gnomAD v4.1: 1 of 1,614,152 alleles (0.000062%); highest among the groups gnomAD compares: Non-Finnish European, 0.000085%; no homozygotes.

Submissions (3):

Ambry Genetics
Classification: Uncertain significance for Cardiovascular phenotype. Last evaluated: 2026-06-14. Review status: criteria provided, single submitter. Criteria: Ambry Variant Classification Scheme 2023. Collection method: clinical testing. Allele origin: germline.
Comment: The p.P182R variant (also known as c.545C>G), located in coding exon 1 of the LOX gene, results from a C to G substitution at nucleotide position 545. The proline at codon 182 is replaced by arginine, an amino acid with dissimilar properties. This amino acid position is conserved. In addition, the in silico prediction for this alteration is inconclusive. Based on the available evidence, the clinical significance of this variant remains unclear.

Labcorp Genetics (formerly Invitae), Labcorp
Classification: Uncertain significance. Last evaluated: 2024-08-04. Review status: criteria provided, single submitter. Criteria: Invitae Variant Classification Sherloc (09022015). Collection method: clinical testing. Allele origin: germline.
Comment: This sequence change replaces proline, which is neutral and non-polar, with arginine, which is basic and polar, at codon 182 of the LOX protein (p.Pro182Arg). This variant is present in population databases (no rsID available, gnomAD 0.01%). This variant has not been reported in the literature in individuals affected with LOX-related conditions. ClinVar contains an entry for this variant (Variation ID: 973085). Advanced modeling of protein sequence and biophysical properties (such as structural, functional, and spatial information, amino acid conservation, physicochemical variation, residue mobility, and thermodynamic stability) performed at Invitae indicates that this missense variant is not expected to disrupt LOX protein function with a negative predictive value of 80%. In summary, the available evidence is currently insufficient to determine the role of this variant in disease. Therefore, it has been classified as a Variant of Uncertain Significance.

GeneDx
Classification: Uncertain significance. Last evaluated: 2019-11-22. Review status: criteria provided, single submitter. Criteria: GeneDx Variant Classification Process June 2021. Collection method: clinical testing. Allele origin: germline. Affected: yes.
Comment: Has not been previously published as pathogenic or benign to our knowledge; Not observed in large population cohorts (Lek et al., 2016); In silico analysis, which includes protein predictors and evolutionary conservation, supports a deleterious effect